The following is an entry in ClinVar:

ClinVar aggregate classification (germline): Conflicting classifications of pathogenicity. Review status: criteria provided, conflicting classifications (1 of 4 stars). 3 submissions from 3 submitters: Pathogenic (1); Likely pathogenic (1); Uncertain significance (1). Last evaluated 2025-01-28.

Conditions:
Mucopolysaccharidosis, MPS-IV-A (MPS4A). Also called: Mucopolysaccharidosis type IV A; Mucopolysaccharidosis Type IVA; Morquio syndrome A, mild; MORQUIO SYNDROME A; MPS IVA; mucopolysaccharidosis type 4A. Identifiers: Orphanet 309297, Orphanet 582, MedGen C0086651, MONDO:0009659, OMIM 253000.

Allele frequency attached by ClinVar (database versions not stated): TOPMed below 0.00001; gnomAD 0.00001; gnomAD exomes 0.00001.
gnomAD v4.1: 17 of 1,551,932 alleles (0.0011%); highest among the groups gnomAD compares: Non-Finnish European, 0.0015%; no homozygotes.

Submissions (3):

Labcorp Genetics (formerly Invitae), Labcorp
Classification: Pathogenic for Mucopolysaccharidosis, MPS-IV-A. Last evaluated: 2025-01-28. Review status: criteria provided, single submitter. Criteria: Invitae Variant Classification Sherloc (09022015). Collection method: clinical testing. Allele origin: germline.
Comment: This sequence change falls in intron 13 of the GALNS gene. It does not directly change the encoded amino acid sequence of the GALNS protein. This variant is present in population databases (no rsID available, gnomAD 0.002%). This variant has been observed in individual(s) with mucopolysaccharidosis type IVA (PMID: 34387910; internal data). In at least one individual the data is consistent with being in trans (on the opposite chromosome) from a pathogenic variant. ClinVar contains an entry for this variant (Variation ID: 1048334). Algorithms developed to predict the effect of sequence changes on RNA splicing suggest that this variant may disrupt the consensus splice site. For these reasons, this variant has been classified as Pathogenic.

Laboratory of Diagnosis and Therapy of Lysosomal Disorders, University of Padova
Classification: Uncertain significance for Mucopolysaccharidosis, MPS-IV-A. Last evaluated: 2021-02-01. Review status: criteria provided, single submitter. Criteria: ACMG Guidelines, 2015. Collection method: research. Allele origin: germline. Affected: yes.
Comment: Absent from gnomAD v2.1.1 (PM2_moderate)

Laboratory of Inherited Metabolic Diseases, Research centre for medical genetics
Classification: Likely pathogenic for Mucopolysaccharidosis, MPS-IV-A. Review status: criteria provided, single submitter. Criteria: ACMG Guidelines, 2015. Collection method: research. Allele origin: germline. Affected: yes. Observed: 1 variant allele, 1 compound heterozygote.
Comment: The patients blood mRNA analysis demonstrated the alteration of splicing.

Literature cited by the submitters: PubMed 34387910 (cited by Labcorp Genetics (formerly Invitae), Labcorp and Laboratory of Diagnosis and Therapy of Lysosomal Disorders, University of Padova).

NM_000512.5(GALNS):c.1483-15A>G

Gene: GALNS (galactosamine (N-acetyl)-6-sulfatase; minus strand). Cytogenetic location: 16q24.3.
Variant type: single nucleotide variant.
Coding change: c.1483-15A>G on transcript NM_000512.5 (MANE Select); 15 bases into the intron before coding-DNA position 1483, A replaced by G.
Molecular consequence: intron variant.
Genome position (GRCh38, 1-based): chr16:88,814,540, T>C on the plus strand (A>G on the coding strand, the complement: GALNS is on the minus strand). VCF-style: chr16-88814540-T-C. GRCh37 (hg19) VCF-style: chr16-88880948-T-C.
Other names: c.928-15A>G (NM_001323543.2); c.1501-15A>G (NM_001323544.2).
Identifiers: ClinVar variation 1048334 (VCV001048334.14), dbSNP rs1461992033, ClinGen allele CA624209866.